The following is an entry in ClinVar:

ClinVar aggregate classification (germline): Pathogenic (1 of 4 stars; one submission).

Submission:

Labcorp Genetics (formerly Invitae), Labcorp
Classification: Pathogenic. Last evaluated: 2022-08-09. Review status: criteria provided, single submitter. Criteria: Invitae Variant Classification Sherloc (09022015). Collection method: clinical testing. Allele origin: germline.
Comment: For these reasons, this variant has been classified as Pathogenic. Algorithms developed to predict the effect of sequence changes on RNA splicing suggest that this variant may disrupt the consensus splice site. ClinVar contains an entry for this variant (Variation ID: 1375292). This variant has not been reported in the literature in individuals affected with C8B-related conditions. This variant is not present in population databases (gnomAD no frequency). This sequence change creates a premature translational stop signal (p.Met312Asnfs*11) in the C8B gene. It is expected to result in an absent or disrupted protein product. Loss-of-function variants in C8B are known to be pathogenic (PMID: 7594510).

Literature cited by the submitters: PubMed 7594510.

NM_000066.4(C8B):c.934dup (p.Met312fs)

Gene: C8B (complement C8 beta chain; minus strand). Cytogenetic location: 1p32.2.
Variant type: Duplication.
Coding change: c.934dup on transcript NM_000066.4 (MANE Select); coding-DNA position 934, one base duplicated (A; older notation c.934dupA).
Protein change: p.Met312fs; shifts the reading frame from methionine 312.
Molecular consequence: frameshift variant.
Genome position (GRCh38, 1-based): chr1:56,945,992, T duplicated on the plus strand (A on the coding strand, the reverse complement: C8B is on the minus strand). VCF-style (leftmost placement, unchanged base first): chr1-56945991-A-AT. GRCh37 (hg19) VCF-style: chr1-57411664-A-AT.
Other names: c.778dup, p.Met260fs (NM_001278543.2); c.748dup, p.Met250fs (NM_001278544.2); short protein forms M312fs, M250fs, M260fs.
Identifiers: ClinVar variation 1375292 (VCV001375292.6), dbSNP rs2101408848, ClinGen allele CA2573132482.